The following is an entry in ClinVar:

ClinVar aggregate classification (germline): Likely pathogenic (1 of 4 stars; one submission).

Conditions:
Intellectual disability-facial dysmorphism syndrome due to SETD5 haploinsufficiency (MRD23). Also called: Intellectual developmental disorder, autosomal dominant 23. Identifiers: Orphanet 404440, MedGen C3810406, MONDO:0014336, OMIM 615761.

Submission:

MGZ Medical Genetics Center
Classification: Likely pathogenic for Intellectual disability-facial dysmorphism syndrome due to SETD5 haploinsufficiency. Last evaluated: 2022-08-23. Review status: criteria provided, single submitter. Criteria: ACMG Guidelines, 2015. Collection method: clinical testing. Allele origin: germline. Affected: yes. Observed: 1 variant allele.
Comment: ACMG criteria applied: PVS1, PM2_SUP

NM_001080517.3(SETD5):c.1441_1442insCTTG (p.Glu481delinsAlaTer)

Gene: SETD5 (SET domain containing 5; plus strand). Cytogenetic location: 3p25.3.
Variant type: Insertion.
Coding change: c.1441_1442insCTTG on transcript NM_001080517.3 (MANE Select); coding-DNA positions 1441 to 1442, CTTG inserted.
Protein change: p.Glu481delinsAlaTer.
Molecular consequence: nonsense.
Genome position: GRCh38 VCF-style: chr3-9445656-G-GGCTT. GRCh37 (hg19) VCF-style: chr3-9487340-G-GGCTT.
Other names: c.1147_1148insCTTG, p.Glu383delinsAlaTer (NM_001292043.2, NM_001349451.2).
Identifiers: ClinVar variation 1709720 (VCV001709720.2), dbSNP rs2472852631, ClinGen allele CA2580070608.